The following is an entry in ClinVar:

ClinVar aggregate classification (germline): Uncertain significance (1 of 4 stars; one submission).

Submission:

Women's Health and Genetics/Laboratory Corporation of America, LabCorp
Classification: Uncertain significance. Last evaluated: 2016-12-22. Review status: criteria provided, single submitter. Criteria: LabCorp Variant Classification Summary - May 2015. Collection method: clinical testing. Allele origin: germline.
Comment: Variant summary: The c.5315C>G (p.Pro1772Arg) in APC gene is a missense change that involves a highly conserved nucleotide and 4/5 in silico tools predict deleterious outcome. The variant of interest is located outside of any known functional domain or repeat, although the functional impact of this missense change is yet to be studied. The variant is absent from the large control population dataset of ExAC and has not, to our knowledge, been reported in affected individual via published reports or cited by a reputable database/diagnostic laboratory. At this time there is not sufficient undeniable evidence to classify this variant with confidence. Taken together, the variant was classified as VUS until more data becomes available.

NM_000038.6(APC):c.5315C>G (p.Pro1772Arg)

Gene: APC (APC regulator of WNT signaling pathway; plus strand). Cytogenetic location: 5q22.2.
Variant type: single nucleotide variant.
Coding change: c.5315C>G on transcript NM_000038.6 (MANE Select); coding-DNA position 5315, C replaced by G.
Protein change: p.Pro1772Arg; replaces proline 1772 with arginine.
Molecular consequence: missense variant.
Genome position (GRCh38, 1-based): chr5:112,840,909, C>G. VCF-style: chr5-112840909-C-G. GRCh37 (hg19) VCF-style: chr5-112176606-C-G.
Other names: c.5315C>G, p.Pro1772Arg (NM_001127510.3, NM_001354895.2); c.5261C>G, p.Pro1754Arg (NM_001127511.3); c.5369C>G, p.Pro1790Arg (NM_001354896.2); c.5345C>G, p.Pro1782Arg (NM_001354897.2); c.5240C>G, p.Pro1747Arg (NM_001354898.2); c.5231C>G, p.Pro1744Arg (NM_001354899.2); c.5192C>G, p.Pro1731Arg (NM_001354900.2); c.5138C>G, p.Pro1713Arg (NM_001354901.2); and 5 more; short protein forms P1754R, P1772R, P1646R, P1671R, P1713R, P1489R, P1612R, P1731R.
Identifiers: ClinVar variation 495366 (VCV000495366.1), dbSNP rs1554086633, ClinGen allele CA16032955.